The following is an entry in ClinVar:

ClinVar aggregate classification (germline): Uncertain significance (1 of 4 stars; one submission).

Conditions:
Pitt-Hopkins syndrome (PTHS). Also called: ENCEPHALOPATHY, SEVERE EPILEPTIC, WITH AUTONOMIC DYSFUNCTION; MENTAL RETARDATION, SYNDROMAL, WITH INTERMITTENT HYPERVENTILATION. Identifiers: Orphanet 2896, MedGen C1970431, MONDO:0012589, OMIM 610954.

Allele frequency attached by ClinVar (database versions not stated): gnomAD exomes below 0.00001; TOPMed below 0.00001; gnomAD 0.00001.
gnomAD v4.1: 2 of 1,613,598 alleles (0.00012%); highest among the groups gnomAD compares: African/African-American, 0.0027%; no homozygotes.

Submission:

Labcorp Genetics (formerly Invitae), Labcorp
Classification: Uncertain significance for Pitt-Hopkins syndrome. Last evaluated: 2019-12-03. Review status: criteria provided, single submitter. Criteria: Invitae Variant Classification Sherloc (09022015). Collection method: clinical testing. Allele origin: germline.
Comment: This variant is not present in population databases (ExAC no frequency). In summary, the available evidence is currently insufficient to determine the role of this variant in disease. Therefore, it has been classified as a Variant of Uncertain Significance. Algorithms developed to predict the effect of missense changes on protein structure and function are either unavailable or do not agree on the potential impact of this missense change (SIFT: "Deleterious"; PolyPhen-2: "Benign"; Align-GVGD: "Class C0"). This variant has not been reported in the literature in individuals with TCF4-related conditions. This sequence change replaces glycine with aspartic acid at codon 220 of the TCF4 protein (p.Gly220Asp). The glycine residue is highly conserved and there is a moderate physicochemical difference between glycine and aspartic acid.

NM_001083962.2(TCF4):c.659G>A (p.Gly220Asp)

Gene: TCF4 (transcription factor 4; minus strand). Cytogenetic location: 18q21.2.
Variant type: single nucleotide variant.
Coding change: c.659G>A on transcript NM_001083962.2 (MANE Select); coding-DNA position 659, G replaced by A.
Protein change: p.Gly220Asp; replaces glycine 220 with aspartic acid.
Molecular consequence: missense variant.
Genome position (GRCh38, 1-based): chr18:55,275,749, C>T on the plus strand (G>A on the coding strand, the complement: TCF4 is on the minus strand). VCF-style: chr18-55275749-C-T. GRCh37 (hg19) VCF-style: chr18-52942980-C-T.
Other names: c.965G>A, p.Gly322Asp (NM_001243226.3); c.587G>A, p.Gly196Asp (NM_001243227.2, NM_001348217.1, NM_001348218.2 and 9 more transcripts); c.677G>A, p.Gly226Asp (NM_001243228.2); c.653G>A, p.Gly218Asp (NM_001243230.2); c.533G>A, p.Gly178Asp (NM_001243231.2, NM_001348211.2); c.446G>A, p.Gly149Asp (NM_001243232.1, NM_001306208.1); c.269G>A, p.Gly90Asp (NM_001243233.2, NM_001330605.3, NM_001348212.2 and 1 more transcripts); c.179G>A, p.Gly60Asp (NM_001243234.2, NM_001243235.2, NM_001348216.2 and 2 more transcripts); and 4 more; short protein forms G218D, G220D, G226D, G322D, G4D, G149D, G195D, G196D.
Identifiers: ClinVar variation 838927 (VCV000838927.9), dbSNP rs1480547602, ClinGen allele CA402701690.